The following is an entry in ClinVar:

ClinVar aggregate classification (germline): Uncertain significance. Review status: criteria provided, multiple submitters, no conflicts (2 of 4 stars). 3 submissions from 2 submitters: Uncertain significance (3). Last evaluated 2023-01-31.

Conditions:
Inborn genetic diseases. Identifiers: MedGen C0950123, MeSH D030342.
Hereditary cancer-predisposing syndrome. Also called: Tumor predisposition; Hereditary Cancer Syndrome; Neoplastic Syndromes, Hereditary; Hereditary neoplastic syndrome. Identifiers: Orphanet 140162, MedGen C0027672, MeSH D009386, MONDO:0015356.
Pancreatic cancer, susceptibility to, 1. Identifiers: Orphanet 1333, MedGen C1847351, MONDO:0011739, OMIM 606856.

Allele frequency attached by ClinVar (database versions not stated): gnomAD exomes 0.00004; TOPMed 0.00006; ExAC 0.00007; gnomAD 0.00007.
gnomAD v4.1: 76 of 1,614,062 alleles (0.0047%); highest among the groups gnomAD compares: Non-Finnish European, 0.00076%; no homozygotes.

Submissions (3):

Ambry Genetics
Classification: Uncertain significance for Inborn genetic diseases. Last evaluated: 2023-01-31. Review status: criteria provided, single submitter. Criteria: Ambry General Variant Classification Scheme_2022. Collection method: clinical testing. Allele origin: germline.

Ambry Genetics
Classification: Uncertain significance for Hereditary cancer-predisposing syndrome. Last evaluated: 2022-09-18. Review status: criteria provided, single submitter. Criteria: Ambry General Variant Classification Scheme_2022. Collection method: clinical testing. Allele origin: germline. Observed: 1 variant allele.
Comment: The p.E88D variant (also known as c.264A>C), located in coding exon 1 of the PALLD gene, results from an A to C substitution at nucleotide position 264. The glutamic acid at codon 88 is replaced by aspartic acid, an amino acid with highly similar properties. This amino acid position is conserved. In addition, this alteration is predicted to be tolerated by in silico analysis. Since supporting evidence is limited at this time, the clinical significance of this alteration remains unclear.

Department of Pathology and Laboratory Medicine, Sinai Health System
Classification: Uncertain significance for Pancreatic cancer, susceptibility to, 1. Last evaluated: 2021-07-30. Review status: criteria provided, single submitter. Criteria: ACMG Guidelines, 2015. Collection method: research. Allele origin: germline.

NM_001166108.2(PALLD):c.264A>C (p.Glu88Asp)

Gene: PALLD (palladin, cytoskeletal associated protein; plus strand). Cytogenetic location: 4q32.3.
Variant type: single nucleotide variant.
Coding change: c.264A>C on transcript NM_001166108.2 (MANE Select); coding-DNA position 264, A replaced by C.
Protein change: p.Glu88Asp; replaces glutamic acid 88 with aspartic acid.
Molecular consequence: missense variant.
Genome position (GRCh38, 1-based): chr4:168,511,768, A>C. VCF-style: chr4-168511768-A-C. GRCh37 (hg19) VCF-style: chr4-169432919-A-C.
Other names: c.264A>C, p.Glu88Asp (NM_016081.4); c.264A>C (NM_001166108.1); short protein forms E88D.
Identifiers: ClinVar variation 1794288 (VCV001794288.3), dbSNP rs202095635, ClinGen allele CA3135329.